The following is an entry in ClinVar:

ClinVar aggregate classification (germline): Conflicting classifications of pathogenicity. Review status: criteria provided, conflicting classifications (1 of 4 stars). 4 submissions from 4 submitters: Uncertain significance (1); Benign (1); Likely benign (2). Last evaluated 2026-01-19.

Conditions:
Combined immunodeficiency due to DOCK8 deficiency (HIES2). Also called: HIES autosomal recessive; HYPER-IgE RECURRENT INFECTION SYNDROME 2, AUTOSOMAL RECESSIVE; DOCK8 Deficiency; Hyper-IgE recurrent infection syndrome, autosomal recessive; HYPER-IgE SYNDROME 2, AUTOSOMAL RECESSIVE, WITH RECURRENT INFECTIONS. Identifiers: Orphanet 217390, MedGen C4722305, MONDO:0009478, OMIM 243700.

Allele frequency attached by ClinVar (database versions not stated): gnomAD exomes 0.00006 and 0.00015; ExAC 0.00020; 1000 Genomes Project 0.00060; 1000 Genomes Project 30x 0.00062; TOPMed 0.00081; gnomAD 0.00082 and 0.00089; ESP Exome Variant Server 0.00115.
gnomAD v4.1: 215 of 1,614,060 alleles (0.013%); highest among the groups gnomAD compares: African/African-American, 0.26%; no homozygotes.

Submissions (4):

Labcorp Genetics (formerly Invitae), Labcorp
Classification: Benign for Combined immunodeficiency due to DOCK8 deficiency. Last evaluated: 2026-01-19. Review status: criteria provided, single submitter. Criteria: Invitae Variant Classification Sherloc (09022015). Collection method: clinical testing. Allele origin: germline.

Blueprint Genetics
Classification: Likely benign. Last evaluated: 2024-02-16. Review status: criteria provided, single submitter. Criteria: ACMG Guidelines, 2015. Collection method: clinical testing. Allele origin: germline.

GeneDx
Classification: Likely benign. Last evaluated: 2021-03-18. Review status: criteria provided, single submitter. Criteria: GeneDx Variant Classification Process June 2021. Collection method: clinical testing. Allele origin: germline. Affected: yes.

Baylor Genetics
Classification: Uncertain significance for Combined immunodeficiency due to DOCK8 deficiency. Last evaluated: 2018-04-19. Review status: criteria provided, single submitter. Criteria: ACMG Guidelines, 2015. Collection method: clinical testing. Allele origin: unknown. Affected: yes.
Comment: This variant was determined to be of uncertain significance according to ACMG Guidelines, 2015 [PMID:25741868].

NM_203447.4(DOCK8):c.3841-11C>T

Gene: DOCK8 (dedicator of cytokinesis 8; plus strand). Cytogenetic location: 9p24.3.
Variant type: single nucleotide variant.
Coding change: c.3841-11C>T on transcript NM_203447.4 (MANE Select); 11 bases into the intron before coding-DNA position 3841, C replaced by T.
Molecular consequence: intron variant.
Genome position (GRCh38, 1-based): chr9:420,390, C>T. VCF-style: chr9-420390-C-T. GRCh37 (hg19) VCF-style: chr9-420390-C-T.
Other names: c.3637-11C>T (NM_001193536.2); c.3541-11C>T (NM_001190458.2).
Identifiers: ClinVar variation 512096 (VCV000512096.14), dbSNP rs372829200, ClinGen allele CA4958857.